The following is an entry in ClinVar:

NM_004656.4(BAP1):c.1224del (p.Asp408fs)

Gene: BAP1 (BRCA1 associated deubiquitinase 1; minus strand). Cytogenetic location: 3p21.1.
Variant type: Deletion.
Coding change: c.1224del on transcript NM_004656.4 (MANE Select); coding-DNA position 1224, one base deleted (C; older notation c.1224delC).
Protein change: p.Asp408fs; shifts the reading frame from aspartic acid 408.
Molecular consequence: frameshift variant.
Genome position (GRCh38, 1-based): chr3:52,404,479, G deleted on the plus strand (C on the coding strand, the reverse complement: BAP1 is on the minus strand). VCF-style (leftmost placement, unchanged base first): chr3-52404478-CG-C. GRCh37 (hg19) VCF-style: chr3-52438494-CG-C.
Other names: c.1170delC, p.Asp390Glufs (NM_001410772.1); short protein forms D408fs.
Identifiers: ClinVar variation 2431318 (VCV002431318.1), dbSNP rs2471332601, ClinGen allele CA2580070242.

ClinVar aggregate classification (germline): Pathogenic (1 of 4 stars; one submission).

Conditions:
BAP1-related tumor predisposition syndrome (TPDS1). Also called: BAP1 tumor predisposition syndrome; Tumor susceptibility linked to germline BAP1 mutations; COMMON Syndrome; TUMOR PREDISPOSITION SYNDROME 1. Identifiers: Orphanet 289539, MedGen C3280492, MONDO:0013692, OMIM 614327.

Submission:

Myriad Genetics, Inc.
Classification: Pathogenic for BAP1-related tumor predisposition syndrome. Last evaluated: 2023-01-10. Review status: criteria provided, single submitter. Criteria: Myriad Autosomal Dominant, Autosomal Recessive and X-Linked Classification Criteria (2023). Collection method: clinical testing. Allele origin: unknown.
Comment: This variant is considered pathogenic. This variant creates a frameshift predicted to result in premature protein truncation.